The following is an entry in ClinVar:

NM_003737.4(DCHS1):c.5971C>T (p.Arg1991Cys)

Gene: DCHS1 (dachsous cadherin-related 1; minus strand). Cytogenetic location: 11p15.4.
Variant type: single nucleotide variant.
Coding change: c.5971C>T on transcript NM_003737.4 (MANE Select); coding-DNA position 5971, C replaced by T.
Protein change: p.Arg1991Cys; replaces arginine 1991 with cysteine.
Molecular consequence: missense variant.
Genome position (GRCh38, 1-based): chr11:6,627,068, G>A on the plus strand (C>T on the coding strand, the complement: DCHS1 is on the minus strand). VCF-style: chr11-6627068-G-A. GRCh37 (hg19) VCF-style: chr11-6648299-G-A.
Other names: c.5971C>T (NM_003737.2); short protein forms R1991C.
Identifiers: ClinVar variation 1934125 (VCV001934125.6), dbSNP rs148935165, ClinGen allele CA5859981.
Genomic context (GRCh38, chr11:6,627,068, plus strand): 5'-TGCCAGGAGGTGGTGTGCCTGCCAGCCGGTACAGAATGGAAGCATTGGCACCAGCATCAC[G>A]ATCTTCAGCTCTCAGTGTGGCCAGAGCCAGGGTTGGGGTACTGAAGCTGGGGCCTGGGCG-3'
Protein context (NP_003728.1, residues 1981-2001): LALATLRAED[Arg1991Cys]DAGANASILY

ClinVar aggregate classification (germline): Uncertain significance. Review status: criteria provided, multiple submitters, no conflicts (2 of 4 stars). 2 submissions from 2 submitters: Uncertain significance (2). Last evaluated 2025-09-13.

Conditions:
Inborn genetic diseases. Identifiers: MedGen C0950123, MeSH D030342.

gnomAD v4.1: 8 of 1,613,432 alleles (0.0005%); highest among the groups gnomAD compares: South Asian, 0.0022%; no homozygotes.

Submissions (2):

Labcorp Genetics (formerly Invitae), Labcorp
Classification: Uncertain significance. Last evaluated: 2025-09-13. Review status: criteria provided, single submitter. Criteria: Invitae Variant Classification Sherloc (09022015). Collection method: clinical testing. Allele origin: germline.
Comment: This sequence change replaces arginine, which is basic and polar, with cysteine, which is neutral and slightly polar, at codon 1991 of the DCHS1 protein (p.Arg1991Cys). This variant is present in population databases (rs148935165, gnomAD 0.004%). This variant has not been reported in the literature in individuals affected with DCHS1-related conditions. ClinVar contains an entry for this variant (Variation ID: 1934125). Invitae Evidence Modeling of protein sequence and biophysical properties (such as structural, functional, and spatial information, amino acid conservation, physicochemical variation, residue mobility, and thermodynamic stability) indicates that this missense variant is not expected to disrupt DCHS1 protein function with a negative predictive value of 80%. In summary, the available evidence is currently insufficient to determine the role of this variant in disease. Therefore, it has been classified as a Variant of Uncertain Significance.

Ambry Genetics
Classification: Uncertain significance for Inborn genetic diseases. Last evaluated: 2025-03-25. Review status: criteria provided, single submitter. Criteria: Ambry Variant Classification Scheme 2023. Collection method: clinical testing. Allele origin: germline.